The following is an entry in ClinVar:

NM_024675.4(PALB2):c.1356C>A (p.Asn452Lys)

Gene: PALB2 (partner and localizer of BRCA2; minus strand). Cytogenetic location: 16p12.2.
Variant type: single nucleotide variant.
Coding change: c.1356C>A on transcript NM_024675.4 (MANE Select); coding-DNA position 1356, C replaced by A.
Protein change: p.Asn452Lys; replaces asparagine 452 with lysine.
Molecular consequence: missense variant. On other transcripts: intron variant (3).
Genome position (GRCh38, 1-based): chr16:23,635,190, G>T on the plus strand (C>A on the coding strand, the complement: PALB2 is on the minus strand). VCF-style: chr16-23635190-G-T. GRCh37 (hg19) VCF-style: chr16-23646511-G-T.
Other names: c.1356C>A, p.Asn452Lys (NM_001407297.1, NM_001407298.1, NM_001407299.1 and 3 more transcripts); c.471C>A, p.Asn157Lys (NM_001407304.1, NM_001407305.1, NM_001407306.1 and 5 more transcripts); c.49-5915C>A (NM_001407314.1); c.-104-4721C>A (NM_001407313.1, NM_001407312.1); c.1296C>A, p.Asn432Lys (NM_001407296.1); short protein forms N432K, N157K, N452K.
Identifiers: ClinVar variation 2710350 (VCV002710350.4), dbSNP rs1555461327, ClinGen allele CA395131504.

ClinVar aggregate classification (germline): Uncertain significance. Review status: criteria provided, multiple submitters, no conflicts (2 of 4 stars). 2 submissions from 2 submitters: Uncertain significance (2). Last evaluated 2025-07-16.

Conditions:
Familial cancer of breast. Also called: hereditary breast carcinoma; Hereditary breast cancer; BREAST CANCER, FAMILIAL. Identifiers: Orphanet 227535, MedGen C0346153, MONDO:0016419, OMIM 114480. Disease mechanism: loss of function.

gnomAD v4.1: 1 of 1,614,116 alleles (0.000062%); highest among the groups gnomAD compares: South Asian, 0.0011%; no homozygotes.

Submissions (2):

Labcorp Genetics (formerly Invitae), Labcorp
Classification: Uncertain significance for Familial cancer of breast. Last evaluated: 2025-07-16. Review status: criteria provided, single submitter. Criteria: Invitae Variant Classification Sherloc (09022015). Collection method: clinical testing. Allele origin: germline.
Comment: This sequence change replaces asparagine, which is neutral and polar, with lysine, which is basic and polar, at codon 452 of the PALB2 protein (p.Asn452Lys). This variant is not present in population databases (gnomAD no frequency). This variant has not been reported in the literature in individuals affected with PALB2-related conditions. ClinVar contains an entry for this variant (Variation ID: 2710350). Invitae Evidence Modeling of protein sequence and biophysical properties (such as structural, functional, and spatial information, amino acid conservation, physicochemical variation, residue mobility, and thermodynamic stability) indicates that this missense variant is not expected to disrupt PALB2 protein function with a negative predictive value of 80%. In summary, the available evidence is currently insufficient to determine the role of this variant in disease. Therefore, it has been classified as a Variant of Uncertain Significance.

GeneDx
Classification: Uncertain significance. Last evaluated: 2024-05-10. Review status: criteria provided, single submitter. Criteria: GeneDx Variant Classification Process June 2021. Collection method: clinical testing. Allele origin: germline. Affected: yes.
Comment: Not observed at significant frequency in large population cohorts (gnomAD); In silico analysis indicates that this missense variant does not alter protein structure/function; Has not been previously published as pathogenic or benign to our knowledge